The following is an entry in ClinVar:

ClinVar aggregate classification (germline): Uncertain significance. Review status: criteria provided, multiple submitters, no conflicts (2 of 4 stars). 2 submissions from 2 submitters: Uncertain significance (2). Last evaluated 2025-04-13.

Conditions:
Inborn genetic diseases. Identifiers: MedGen C0950123, MeSH D030342.

Allele frequency attached by ClinVar (database versions not stated): ExAC 0.00002; TOPMed 0.00006; gnomAD 0.00013; 1000 Genomes Project 30x 0.00031; 1000 Genomes Project 0.00040.
gnomAD v4.1: 28 of 1,611,174 alleles (0.0017%); highest among the groups gnomAD compares: Admixed American, 0.045%; no homozygotes.

Submissions (2):

Ambry Genetics
Classification: Uncertain significance for Inborn genetic diseases. Last evaluated: 2025-04-13. Review status: criteria provided, single submitter. Criteria: Ambry Variant Classification Scheme 2023. Collection method: clinical testing. Allele origin: germline.

Labcorp Genetics (formerly Invitae), Labcorp
Classification: Uncertain significance. Last evaluated: 2022-06-07. Review status: criteria provided, single submitter. Criteria: Invitae Variant Classification Sherloc (09022015). Collection method: clinical testing. Allele origin: germline.
Comment: This variant is present in population databases (rs561289103, gnomAD 0.02%). In summary, the available evidence is currently insufficient to determine the role of this variant in disease. Therefore, it has been classified as a Variant of Uncertain Significance. Advanced modeling of protein sequence and biophysical properties (such as structural, functional, and spatial information, amino acid conservation, physicochemical variation, residue mobility, and thermodynamic stability) performed at Invitae indicates that this missense variant is not expected to disrupt CNGB1 protein function. This variant has not been reported in the literature in individuals affected with CNGB1-related conditions. This sequence change replaces proline, which is neutral and non-polar, with serine, which is neutral and polar, at codon 1197 of the CNGB1 protein (p.Pro1197Ser).

NM_001297.5(CNGB1):c.3589C>T (p.Pro1197Ser)

Gene: CNGB1 (cyclic nucleotide gated channel subunit beta 1; minus strand). Cytogenetic location: 16q21.
Variant type: single nucleotide variant.
Coding change: c.3589C>T on transcript NM_001297.5 (MANE Select); coding-DNA position 3589, C replaced by T.
Protein change: p.Pro1197Ser; replaces proline 1197 with serine.
Molecular consequence: missense variant.
Genome position (GRCh38, 1-based): chr16:57,884,331, G>A on the plus strand (C>T on the coding strand, the complement: CNGB1 is on the minus strand). VCF-style: chr16-57884331-G-A. GRCh37 (hg19) VCF-style: chr16-57918235-G-A.
Other names: c.3571C>T, p.Pro1191Ser (NM_001286130.2); c.3589C>T (NM_001297.4); short protein forms P1191S, P1197S.
Identifiers: ClinVar variation 2168735 (VCV002168735.4), dbSNP rs561289103, ClinGen allele CA8082495.